The following is an entry in ClinVar:

ClinVar aggregate classification (germline): Pathogenic (1 of 4 stars; one submission).

Conditions:
Osteogenesis imperfecta type I (OI1). Also called: Lobstein's Disease; Osteogenesis imperfecta type 1; Classic Non-deforming Osteogenesis Imperfecta with Blue Sclerae; Lobstein disease; OI, TYPE I; OSTEOGENESIS IMPERFECTA TARDA. Identifiers: Orphanet 216796, Orphanet 666, MedGen C0023931, MONDO:0008146, OMIM 166200. Disease mechanism: loss of function.

Submission:

Labcorp Genetics (formerly Invitae), Labcorp
Classification: Pathogenic for Osteogenesis imperfecta type I. Last evaluated: 2022-09-06. Review status: criteria provided, single submitter. Criteria: Invitae Variant Classification Sherloc (09022015). Collection method: clinical testing. Allele origin: germline.
Comment: For these reasons, this variant has been classified as Pathogenic. This variant has not been reported in the literature in individuals affected with COL1A1-related conditions. This sequence change creates a premature translational stop signal (p.Gly1106Hisfs*22) in the COL1A1 gene. It is expected to result in an absent or disrupted protein product. Loss-of-function variants in COL1A1 are known to be pathogenic (PMID: 7942841, 9295084, 9443882). This variant is not present in population databases (gnomAD no frequency).

Literature cited by the submitters: PubMed 7942841; PubMed 9295084; PubMed 9443882.

NM_000088.4(COL1A1):c.3315_3316del (p.Gly1106fs)

Gene: COL1A1 (collagen type I alpha 1 chain; minus strand). Cytogenetic location: 17q21.33.
Variant type: Microsatellite.
Coding change: c.3315_3316del on transcript NM_000088.4 (MANE Select); coding-DNA positions 3315 to 3316, 2 bases deleted (AG; older notation c.3315_3316delAG).
Protein change: p.Gly1106fs; shifts the reading frame from glycine 1106.
Molecular consequence: frameshift variant.
Genome position (GRCh38, 1-based): chr17:50,187,929-50,187,930, CT deleted on the plus strand (AG on the coding strand, the reverse complement: COL1A1 is on the minus strand); deleting any 2 consecutive bases within chr17:50,187,929-50,187,932 gives the same sequence; the c. name uses the placement nearest the transcript's 3' end. VCF-style (leftmost placement, unchanged base first): chr17-50187928-CCT-C. GRCh37 (hg19) VCF-style: chr17-48265289-CCT-C.
Other names: short protein forms G1106fs.
Identifiers: ClinVar variation 2131326 (VCV002131326.4), dbSNP rs2509172852, ClinGen allele CA2580612652.